The following is an entry in ClinVar:

NM_003334.4(UBA1):c.2075A>G (p.Gln692Arg)

Gene: UBA1 (ubiquitin like modifier activating enzyme 1; plus strand). Cytogenetic location: Xp11.3.
Variant type: single nucleotide variant.
Coding change: c.2075A>G on transcript NM_003334.4 (MANE Select); coding-DNA position 2075, A replaced by G.
Protein change: p.Gln692Arg; replaces glutamine 692 with arginine.
Molecular consequence: missense variant.
Genome position (GRCh38, 1-based): chrX:47,209,999, A>G. VCF-style: chrX-47209999-A-G. GRCh37 (hg19) VCF-style: chrX-47069398-A-G.
Other names: c.2117A>G, p.Gln706Arg (NM_001440807.1); c.2093A>G, p.Gln698Arg (NM_001440809.1, NM_001440810.1); c.2075A>G, p.Gln692Arg (NM_001440811.1, NM_001440812.1, NM_153280.3); short protein forms Q692R, Q698R, Q706R.
Identifiers: ClinVar variation 4681150 (VCV004681150.1).
Genomic context (GRCh38, chrX:47,209,999, plus strand): 5'-TTGTGGAGCGAACACTGCGGCTGGCAGGCACTCAGCCCTTGGAGGTGCTGGAGGCTGTGC[A>G]GCGCAGCCTGGTGCTGCAGCGACCACAGACCTGGGCTGACTGCGTGACCTGGGCCTGCCA-3'
Protein context (NP_003325.2, residues 682-702): TQPLEVLEAV[Gln692Arg]RSLVLQRPQT

ClinVar aggregate classification (germline): Uncertain significance (1 of 4 stars; one submission).

Submission:

GeneDx
Classification: Uncertain significance. Last evaluated: 2025-07-02. Review status: criteria provided, single submitter. Criteria: GeneDx Variant Classification Process June 2021. Collection method: clinical testing. Allele origin: germline. Affected: yes.
Comment: Not observed at significant frequency in large population cohorts (gnomAD); Missense variants in this gene are a common cause of disease and they are underrepresented in the general population; In silico analysis suggests that this missense variant does not alter protein structure/function; Has not been previously published as pathogenic or benign to our knowledge; This variant is associated with the following publications: (PMID: 26432019)